The following is an entry in ClinVar:

NM_016222.4(DDX41):c.1586C>G (p.Thr529Arg)

Gene: DDX41 (DEAD-box helicase 41; minus strand). Cytogenetic location: 5q35.3.
Variant type: single nucleotide variant.
Coding change: c.1586C>G on transcript NM_016222.4 (MANE Select); coding-DNA position 1586, C replaced by G.
Protein change: p.Thr529Arg; replaces threonine 529 with arginine.
Molecular consequence: missense variant.
Genome position (GRCh38, 1-based): chr5:177,512,357, G>C on the plus strand (C>G on the coding strand, the complement: DDX41 is on the minus strand). VCF-style: chr5-177512357-G-C. GRCh37 (hg19) VCF-style: chr5-176939358-G-C.
Other names: c.1208C>G, p.Thr403Arg (NM_001321732.2, NM_001321830.2); short protein forms T529R, T403R.
Identifiers: ClinVar variation 4238748 (VCV004238748.1).

ClinVar aggregate classification (germline): Uncertain significance (1 of 4 stars; one submission).

Conditions:
Inborn genetic diseases. Identifiers: MedGen C0950123, MeSH D030342.

Submission:

Ambry Genetics
Classification: Uncertain significance for Inborn genetic diseases. Last evaluated: 2025-07-03. Review status: criteria provided, single submitter. Criteria: Ambry Variant Classification Scheme 2023. Collection method: clinical testing. Allele origin: germline.
Comment: The p.T529R variant (also known as c.1586C>G), located in coding exon 15 of the DDX41 gene, results from a C to G substitution at nucleotide position 1586. The threonine at codon 529 is replaced by arginine, an amino acid with similar properties. This amino acid position is conserved. In addition, this alteration is predicted to be deleterious by in silico analysis. Based on the available evidence, the clinical significance of this variant remains unclear.